The following is an entry in ClinVar:

ClinVar aggregate classification (germline): Uncertain significance (1 of 4 stars; one submission).

gnomAD v4.1: 660 of 1,614,054 alleles (0.041%); highest among the groups gnomAD compares: African/African-American, 0.69%; 1 homozygote.

Submission:

Women's Health and Genetics/Laboratory Corporation of America, LabCorp
Classification: Uncertain significance. Last evaluated: 2024-05-06. Review status: criteria provided, single submitter. Criteria: LabCorp Variant Classification Summary - May 2015. Collection method: clinical testing. Allele origin: germline.
Comment: Variant summary: UBE4A c.976C>G (p.Pro326Ala) results in a non-conservative amino acid change in the encoded protein sequence. Three of five in-silico tools predict a damaging effect of the variant on protein function. The variant allele was found at a frequency of 0.00065 in 251148 control chromosomes. The available data on variant occurrences in the general population are insufficient to allow any conclusion about variant significance. To our knowledge, no occurrence of c.976C>G in individuals affected with Neurodevelopmental Disorder With Hypotonia And Gross Motor And Speech Delay and no experimental evidence demonstrating its impact on protein function have been reported. No submitters have cited clinical-significance assessments for this variant to ClinVar. Based on the evidence outlined above, the variant was classified as uncertain significance.

NM_001204077.2(UBE4A):c.955C>G (p.Pro319Ala)

Gene: UBE4A (ubiquitination factor E4A; plus strand). Cytogenetic location: 11q23.3.
Variant type: single nucleotide variant.
Coding change: c.955C>G on transcript NM_001204077.2 (MANE Select); coding-DNA position 955, C replaced by G.
Protein change: p.Pro319Ala; replaces proline 319 with alanine.
Molecular consequence: missense variant.
Genome position (GRCh38, 1-based): chr11:118,373,524, C>G. VCF-style: chr11-118373524-C-G. GRCh37 (hg19) VCF-style: chr11-118244239-C-G.
Other names: c.976C>G, p.Pro326Ala (NM_004788.4); short protein forms P319A, P326A.
Identifiers: ClinVar variation 3336161 (VCV003336161.1).